The following is an entry in ClinVar:

NM_000070.3(CAPN3):c.835_837del (p.Ser279del)

Gene: CAPN3 (calpain 3; plus strand). Cytogenetic location: 15q15.1.
Variant type: Deletion.
Coding change: c.835_837del on transcript NM_000070.3 (MANE Select); coding-DNA positions 835 to 837, 3 bases deleted (TCT; older notation c.835_837delTCT).
Protein change: p.Ser279del; deletes serine 279.
Molecular consequence: inframe deletion. On other transcripts: intron variant (1).
Genome position (GRCh38, 1-based): chr15:42,389,986-42,389,988, TCT deleted; deleting any 3 consecutive bases within chr15:42,389,984-42,389,988 gives the same sequence; the c. name uses the placement nearest the transcript's 3' end. VCF-style (leftmost placement, unchanged base first): chr15-42389983-CCTT-C. GRCh37 (hg19) VCF-style: chr15-42682181-CCTT-C.
Other names: c.835_837del (NM_000070.2); c.835_837delTCT (NM_000070.2); c.835_837del, p.Ser279del (NM_024344.2); c.801+890_801+892del (NM_173087.2); short protein forms S279del.
Identifiers: ClinVar variation 552972 (VCV000552972.8), dbSNP rs776185666, ClinGen allele CA7511143.
Genomic context (GRCh38, chr15:42,389,983, plus strand): 5'-TTGTTCCCTACATTCTCCATCGGGCCTCAGGATGGCACGAACATGACCTATGGAACCTCT[CCTT>C]CTGGTCTGAACATGGGGGAGTTGATTGCACGGATGGTAAGGAATATGGATAACTCACTGC-3'

ClinVar aggregate classification (germline): Uncertain significance. Review status: criteria provided, multiple submitters, no conflicts (2 of 4 stars). 4 submissions from 4 submitters: Uncertain significance (2). 2 of the submissions do not count toward it. Last evaluated 2026-01-27.

Conditions:
Autosomal recessive limb-girdle muscular dystrophy type 2A (LGMDR1). Also called: LEYDEN-MOEBIUS MUSCULAR DYSTROPHY; MUSCULAR DYSTROPHY, PELVOFEMORAL; Limb-girdle muscular dystrophy, type 2A; Calpainopathy; Muscular dystrophy, limb-girdle, type 2A, Amish. Identifiers: Orphanet 267, MedGen C1869123, MONDO:0009675, OMIM 253600. Disease mechanism: loss of function.

Submissions (4):

Labcorp Genetics (formerly Invitae), Labcorp
Classification: Uncertain significance for Autosomal recessive limb-girdle muscular dystrophy type 2A. Last evaluated: 2026-01-27. Review status: criteria provided, single submitter. Criteria: Invitae Variant Classification Sherloc (09022015). Collection method: clinical testing. Allele origin: germline.
Comment: This variant, c.835_837del, results in the deletion of 1 amino acid(s) of the CAPN3 protein (p.Ser279del), but otherwise preserves the integrity of the reading frame. This variant is present in population databases (rs776185666, gnomAD 0.0009%). This variant has not been reported in the literature in individuals affected with CAPN3-related conditions. ClinVar contains an entry for this variant (Variation ID: 552972). Experimental studies and prediction algorithms are not available or were not evaluated, and the functional significance of this variant is currently unknown. In summary, the available evidence is currently insufficient to determine the role of this variant in disease. Therefore, it has been classified as a Variant of Uncertain Significance.

Revvity Omics, Revvity
Classification: Uncertain significance. Last evaluated: 2024-02-13. Review status: criteria provided, single submitter. Criteria: ACMG Guidelines, 2015. Collection method: clinical testing. Allele origin: germline.

Natera, Inc.
Classification: Uncertain significance for Limb-girdle muscular dystrophy type 2A. Last evaluated: 2025-02-17. Review status: no assertion criteria provided. Collection method: clinical testing. Allele origin: germline. Not counted in ClinVar's aggregate classification.

Counsyl
Classification: Uncertain significance for Autosomal recessive limb-girdle muscular dystrophy type 2A. Last evaluated: 2017-08-02. Review status: no assertion criteria provided. Collection method: clinical testing. Allele origin: unknown. Not counted in ClinVar's aggregate classification.